The following is an entry in ClinVar:

NM_003640.5(ELP1):c.1094G>T (p.Gly365Val)

Gene: ELP1 (elongator acetyltransferase complex subunit 1; minus strand). Cytogenetic location: 9q31.3.
Variant type: single nucleotide variant.
Coding change: c.1094G>T on transcript NM_003640.5 (MANE Select); coding-DNA position 1094, G replaced by T.
Protein change: p.Gly365Val; replaces glycine 365 with valine.
Molecular consequence: missense variant.
Genome position (GRCh38, 1-based): chr9:108,912,359, C>A on the plus strand (G>T on the coding strand, the complement: ELP1 is on the minus strand). VCF-style: chr9-108912359-C-A. GRCh37 (hg19) VCF-style: chr9-111674639-C-A.
Other names: c.752G>T, p.Gly251Val (NM_001318360.2); c.47G>T, p.Gly16Val (NM_001330749.2); c.1094G>T (LRG_251t1); short protein forms G365V, G251V, G16V.
Identifiers: ClinVar variation 574193 (VCV000574193.8), dbSNP rs1564096412, ClinGen allele CA374429428.
Genomic context (GRCh38, chr9:108,912,359, plus strand): 5'-GAATTATCTCCCACGCTCCGGTCAGTCGTCCAGTGCCAATCATAGGCGAGGTAATGCCAG[C>A]CCTGACAGAGAACATGCAGCCGGTATGGGGTCACAGGGTCCCACATCAGAGACACAATCT-3'
Protein context (NP_003631.2, residues 355-375): TPYRLHVLCQ[Gly365Val]WHYLAYDWHW

ClinVar aggregate classification (germline): Uncertain significance. Review status: criteria provided, single submitter (1 of 4 stars). 2 submissions from 2 submitters: Uncertain significance (1). 1 of the submissions does not count toward it. Last evaluated 2021-09-01.

Conditions:
Familial dysautonomia. Also called: FD; HSAN III. Identifiers: Orphanet 1764, MedGen C0013364, MONDO:0009131, OMIM 223900. Disease mechanism: loss of function.

Allele frequency attached by ClinVar (database versions not stated): gnomAD exomes below 0.00001.
gnomAD v4.1: 1 of 1,614,162 alleles (0.000062%); highest among the groups gnomAD compares: Non-Finnish European, 0.000085%; no homozygotes.

Submissions (2):

Labcorp Genetics (formerly Invitae), Labcorp
Classification: Uncertain significance. Last evaluated: 2021-09-01. Review status: criteria provided, single submitter. Criteria: Invitae Variant Classification Sherloc (09022015). Collection method: clinical testing. Allele origin: germline.
Comment: This sequence change replaces glycine with valine at codon 365 of the ELP1 protein (p.Gly365Val). The glycine residue is moderately conserved and there is a moderate physicochemical difference between glycine and valine. This variant is not present in population databases (ExAC no frequency). This variant has not been reported in the literature in individuals affected with ELP1-related conditions. Algorithms developed to predict the effect of missense changes on protein structure and function are either unavailable or do not agree on the potential impact of this missense change (SIFT: "Deleterious"; PolyPhen-2: "Probably Damaging"; Align-GVGD: "Class C0"). Algorithms developed to predict the effect of sequence changes on RNA splicing suggest that this variant may create or strengthen a splice site. In summary, the available evidence is currently insufficient to determine the role of this variant in disease. Therefore, it has been classified as a Variant of Uncertain Significance.

Natera, Inc.
Classification: Uncertain significance for Familial dysautonomia. Last evaluated: 2020-09-16. Review status: no assertion criteria provided. Collection method: clinical testing. Allele origin: germline. Not counted in ClinVar's aggregate classification.